The following is an entry in ClinVar:

ClinVar aggregate classification (germline): Likely benign. Review status: criteria provided, multiple submitters, no conflicts (2 of 4 stars). 2 submissions from 2 submitters: Likely benign (2). Last evaluated 2023-10-20.

Conditions:
Ehlers-Danlos syndrome, type 4 (EDSVASC). Also called: Ehlers-Danlos syndrome vascular type; Ehlers Danlos syndrome, ecchymotic type; Ehlers Danlos syndrome, arterial type; Ehlers Danlos syndrome, Sack-Barabas type; Ehlers-Danlos Syndrome Type IV. Identifiers: Orphanet 286, MedGen C0268338, MONDO:0017314, OMIM 130050.

gnomAD v4.1: 1 of 1,614,072 alleles (0.000062%); highest among the groups gnomAD compares: Non-Finnish European, 0.000085%; no homozygotes.

Submissions (2):

Labcorp Genetics (formerly Invitae), Labcorp
Classification: Likely benign for Ehlers-Danlos syndrome, type 4. Last evaluated: 2023-10-20. Review status: criteria provided, single submitter. Criteria: Invitae Variant Classification Sherloc (09022015). Collection method: clinical testing. Allele origin: germline.

All of Us Research Program, National Institutes of Health
Classification: Likely benign for Ehlers-Danlos syndrome, type 4. Last evaluated: 2023-08-08. Review status: criteria provided, single submitter. Criteria: ACMG Guidelines, 2015. Collection method: clinical testing. Allele origin: germline. Inheritance: Autosomal dominant inheritance. Observed: 2 variant alleles, 2 heterozygotes.
Comment: This study involves interpretation of variants in research participants for the purpose of population health screening. Participant phenotype was not available at the time of variant classification. Additional details can be found in publication PMID: 35346344, PMCID: PMC8962531

NM_000090.4(COL3A1):c.1294-12G>T

Gene: COL3A1 (collagen type III alpha 1 chain; plus strand). Cytogenetic location: 2q32.2.
Variant type: single nucleotide variant.
Coding change: c.1294-12G>T on transcript NM_000090.4 (MANE Select); 12 bases into the intron before coding-DNA position 1294, G replaced by T.
Molecular consequence: intron variant.
Genome position (GRCh38, 1-based): chr2:188,994,529, G>T. VCF-style: chr2-188994529-G-T. GRCh37 (hg19) VCF-style: chr2-189859255-G-T.
Identifiers: ClinVar variation 2415616 (VCV002415616.9), dbSNP rs2469129348, ClinGen allele CA2577185381.